The following is an entry in ClinVar:

NM_177438.3(DICER1):c.376A>C (p.Asn126His)

Gene: DICER1 (dicer 1, ribonuclease III; minus strand). Cytogenetic location: 14q32.13.
Variant type: single nucleotide variant.
Coding change: c.376A>C on transcript NM_177438.3 (MANE Select); coding-DNA position 376, A replaced by C.
Protein change: p.Asn126His; replaces asparagine 126 with histidine.
Molecular consequence: missense variant.
Genome position (GRCh38, 1-based): chr14:95,131,571, T>G on the plus strand (A>C on the coding strand, the complement: DICER1 is on the minus strand). VCF-style: chr14-95131571-T-G. GRCh37 (hg19) VCF-style: chr14-95597908-T-G.
Other names: c.376A>C, p.Asn126His (NM_001195573.1, NM_001271282.3, NM_001291628.2 and 1 more transcripts); short protein forms N126H.
Identifiers: ClinVar variation 1040815 (VCV001040815.12), dbSNP rs373734886, ClinGen allele CA390889095.

ClinVar aggregate classification (germline): Uncertain significance. Review status: criteria provided, multiple submitters, no conflicts (2 of 4 stars). 2 submissions from 2 submitters: Uncertain significance (2). Last evaluated 2025-04-07.

Conditions:
DICER1-related tumor predisposition. Also called: DICER1 syndrome; DICER1-related pleuropulmonary blastoma cancer predisposition syndrome. Identifiers: Orphanet 284343, MedGen C3839822, MONDO:0100216.
Hereditary cancer-predisposing syndrome. Also called: Hereditary neoplastic syndrome; Neoplastic Syndromes, Hereditary; Tumor predisposition; Hereditary Cancer Syndrome. Identifiers: Orphanet 140162, MedGen C0027672, MeSH D009386, MONDO:0015356.

gnomAD v4.1: 1 of 1,613,488 alleles (0.000062%); highest among the groups gnomAD compares: Non-Finnish European, 0.000085%; no homozygotes.

Submissions (2):

Labcorp Genetics (formerly Invitae), Labcorp
Classification: Uncertain significance for DICER1-related tumor predisposition. Last evaluated: 2025-04-07. Review status: criteria provided, single submitter. Criteria: Invitae Variant Classification Sherloc (09022015). Collection method: clinical testing. Allele origin: germline.
Comment: This sequence change replaces asparagine, which is neutral and polar, with histidine, which is basic and polar, at codon 126 of the DICER1 protein (p.Asn126His). This variant is not present in population databases (gnomAD no frequency). This variant has not been reported in the literature in individuals affected with DICER1-related conditions. ClinVar contains an entry for this variant (Variation ID: 1040815). Invitae Evidence Modeling of protein sequence and biophysical properties (such as structural, functional, and spatial information, amino acid conservation, physicochemical variation, residue mobility, and thermodynamic stability) indicates that this missense variant is not expected to disrupt DICER1 protein function with a negative predictive value of 95%. In summary, the available evidence is currently insufficient to determine the role of this variant in disease. Therefore, it has been classified as a Variant of Uncertain Significance.

Ambry Genetics
Classification: Uncertain significance for Hereditary cancer-predisposing syndrome. Last evaluated: 2023-03-17. Review status: criteria provided, single submitter. Criteria: Ambry Variant Classification Scheme 2023. Collection method: clinical testing. Allele origin: germline.
Comment: The p.N126H variant (also known as c.376A>C), located in coding exon 3 of the DICER1 gene, results from an A to C substitution at nucleotide position 376. The asparagine at codon 126 is replaced by histidine, an amino acid with similar properties. This amino acid position is not well conserved in available vertebrate species. In addition, this alteration is predicted to be tolerated by in silico analysis. Since supporting evidence is limited at this time, the clinical significance of this alteration remains unclear.